The following is an entry in ClinVar:

NM_134261.3(RORA):c.799A>G (p.Thr267Ala)

Genes: RORA (RAR related orphan receptor A; minus strand), RORA-AS1 (RORA antisense RNA 1; plus strand). Cytogenetic location: 15q22.2.
Variant type: single nucleotide variant.
Coding change: c.799A>G on transcript NM_134261.3 (MANE Select); coding-DNA position 799, A replaced by G.
Protein change: p.Thr267Ala; replaces threonine 267 with alanine.
Molecular consequence: missense variant.
Genome position (GRCh38, 1-based): chr15:60,511,247, T>C on the plus strand (A>G on the coding strand, the complement: RORA is on the minus strand). VCF-style: chr15-60511247-T-C. GRCh37 (hg19) VCF-style: chr15-60803446-T-C.
Other names: c.874A>G, p.Thr292Ala (NM_002943.4); c.898A>G, p.Thr300Ala (NM_134260.3); c.634A>G, p.Thr212Ala (NM_134262.3); short protein forms T212A, T267A, T292A, T300A.
Identifiers: ClinVar variation 3336359 (VCV003336359.1).

ClinVar aggregate classification (germline): Uncertain significance (1 of 4 stars; one submission).

gnomAD v4.1: 2 of 1,613,508 alleles (0.00012%); highest among the groups gnomAD compares: Middle Eastern, 0.017%; no homozygotes.

Submission:

Women's Health and Genetics/Laboratory Corporation of America, LabCorp
Classification: Uncertain significance. Last evaluated: 2024-05-28. Review status: criteria provided, single submitter. Criteria: LabCorp Variant Classification Summary - May 2015. Collection method: clinical testing. Allele origin: germline.
Comment: Variant summary: RORA c.799A>G (p.Thr267Ala) results in a non-conservative amino acid change in the encoded protein sequence. Three of five in-silico tools predict a damaging effect of the variant on protein function. The variant was absent in 250710 control chromosomes. The available data on variant occurrences in the general population are insufficient to allow any conclusion about variant significance. To our knowledge, no occurrence of c.799A>G in individuals affected with Intellectual Developmental Disorder With Or Without Epilepsy Or Cerebellar Ataxia and no experimental evidence demonstrating its impact on protein function have been reported. No submitters have cited clinical-significance assessments for this variant to ClinVar. Based on the evidence outlined above, the variant was classified as uncertain significance.